The following is an entry in ClinVar:

ClinVar aggregate classification (germline): Conflicting classifications of pathogenicity. Review status: criteria provided, conflicting classifications (1 of 4 stars). 3 submissions from 3 submitters: Likely pathogenic (1); Uncertain significance (2). Last evaluated 2025-06-20.

Conditions:
Autosomal recessive RNU4ATAC-related disorders.

Allele frequency attached by ClinVar (database versions not stated): gnomAD 0.00004; gnomAD exomes 0.00006 and 0.00008; ExAC 0.00009.
gnomAD v4.1: 38 of 699,986 alleles (0.0054%); highest among the groups gnomAD compares: African/African-American, 0.012%; no homozygotes.

Submissions (3):

Variantyx, Inc.
Classification: Likely pathogenic for Autosomal recessive RNU4ATAC-related disorders. Last evaluated: 2025-06-20. Review status: criteria provided, single submitter. Criteria: Variantyx Assertion Criteria 2022. Collection method: clinical testing. Allele origin: germline. Inheritance: Autosomal recessive inheritance. Affected: yes.
Comment: This is a variant in the non-protein-coding RNU4ATAC gene (OMIM: 601428). Pathogenic variants in this gene have been associated with autosomal recessive RNU4ATAC-related disorders. It lies within a known hotspot for pathogenic variants or a well-established critical functional domain of the RNU4ATAC gene (PMID: 32628740) (PM1), and has a 0.0123% maximum allele frequency in non-founder control populations (PM2). Based on the current evidence, this variant is classified as uncertain for autosomal recessive RNU4ATAC-related disorders.

Labcorp Genetics (formerly Invitae), Labcorp
Classification: Uncertain significance. Last evaluated: 2025-03-31. Review status: criteria provided, single submitter. Criteria: Invitae Variant Classification Sherloc (09022015). Collection method: clinical testing. Allele origin: germline.
Comment: This variant occurs in the RNU4ATAC gene, which encodes an RNA molecule that does not result in a protein product. This variant is present in population databases (rs750459950, gnomAD 0.03%). This variant has been observed in individual(s) with Lowry Wood syndrome (PMID: 29265708). ClinVar contains an entry for this variant (Variation ID: 1477727). Experimental studies and prediction algorithms are not available or were not evaluated, and the functional significance of this variant is currently unknown. This variant is located within the Sm protein-binding region of the RNU4ATAC RNA, which is important for small nuclear RNA maturation (PMID: 32628740). A significant number of disease-associated RNU4ATAC variants are found in this region (PMID: 32628740, 30368667). In summary, the available evidence is currently insufficient to determine the role of this variant in disease. Therefore, it has been classified as a Variant of Uncertain Significance.

Blueprint Genetics
Classification: Uncertain significance. Last evaluated: 2019-11-21. Review status: criteria provided, single submitter. Criteria: ACMG Guidelines, 2015. Collection method: clinical testing. Allele origin: germline.

Literature cited by the submitters: PubMed 32628740 (cited by Variantyx, Inc. and Labcorp Genetics (formerly Invitae), Labcorp); PubMed 29265708 (cited by Labcorp Genetics (formerly Invitae), Labcorp); PubMed 30368667 (cited by Labcorp Genetics (formerly Invitae), Labcorp).

NR_023343.3(RNU4ATAC):n.123G>A

Genes: RNU4ATAC (RNA, U4atac small nuclear; plus strand), CLASP1 (cytoplasmic linker associated protein 1; minus strand), CLASP1-AS1 (CLASP1 antisense RNA 1; plus strand). Cytogenetic location: 2q14.2.
Variant type: single nucleotide variant.
Molecular consequence: intron variant (on NM_001395891.1).
Genome position: GRCh38 VCF-style: chr2-121531002-G-A. GRCh37 (hg19) VCF-style: chr2-122288578-G-A.
Other names: c.196-677C>T (NM_001142274.2, NM_015282.3, NM_001378003.1 and 5 more transcripts).
Identifiers: ClinVar variation 1477727 (VCV001477727.7), dbSNP rs750459950, ClinGen allele CA1854748.